The following is an entry in ClinVar:

ClinVar aggregate classification (germline): Benign/Likely benign. Review status: criteria provided, multiple submitters, no conflicts (2 of 4 stars). 15 submissions from 15 submitters: Benign (1); Likely benign (10). 4 of the submissions do not count toward it. Last evaluated 2026-08-01.

Conditions:
AARS1-related disorder. Also called: AARS1-related condition.
Inborn genetic diseases. Identifiers: MedGen C0950123, MeSH D030342.
Charcot-Marie-Tooth disease type 2. Also called: Charcot-Marie-Tooth type 2. Identifiers: Orphanet 64746, MedGen C0270914, MONDO:0018993.
Charcot-Marie-Tooth disease axonal type 2N (CMT2N). Also called: CHARCOT-MARIE-TOOTH DISEASE, AXONAL, AUTOSOMAL DOMINANT, TYPE 2N; CHARCOT-MARIE-TOOTH NEUROPATHY, AXONAL, TYPE 2N; Charcot-Marie-Tooth Neuropathy Type 2N. Identifiers: Orphanet 228174, MedGen C2750090, MONDO:0013212, OMIM 613287.

Allele frequency attached by ClinVar (database versions not stated): ESP Exome Variant Server 0.00123; ExAC 0.00145; gnomAD exomes 0.00169 and 0.00258; gnomAD 0.00180; TOPMed 0.00193; 1000 Genomes Project 0.00200; 1000 Genomes Project 30x 0.00219.
gnomAD v4.1: 4,008 of 1,614,152 alleles (0.25%); highest among the groups gnomAD compares: Middle Eastern, 0.61%; 9 homozygotes.

Submissions (15):

CeGaT Center for Human Genetics Tuebingen
Classification: Likely benign. Last evaluated: 2026-08-01. Review status: criteria provided, single submitter. Criteria: CeGaT Center For Human Genetics Tuebingen Variant Classification Criteria Version 2. Collection method: clinical testing. Allele origin: germline. Affected: yes. Observed: 21 variant alleles.
Comment: AARS1: BP4, BS2

Labcorp Genetics (formerly Invitae), Labcorp
Classification: Likely benign for Charcot-Marie-Tooth disease type 2. Last evaluated: 2026-02-02. Review status: criteria provided, single submitter. Criteria: Invitae Variant Classification Sherloc (09022015). Collection method: clinical testing. Allele origin: germline.

Women's Health and Genetics/Laboratory Corporation of America, LabCorp
Classification: Likely benign. Last evaluated: 2025-01-15. Review status: criteria provided, single submitter. Criteria: LabCorp Variant Classification Summary - May 2015. Collection method: clinical testing. Allele origin: germline.
Comment: Variant summary: AARS1 c.2459A>G (p.Lys820Arg) results in a conservative amino acid change located in the DHHA1 domain of the encoded protein sequence. Three of five in-silico tools predict a benign effect of the variant on protein function. The variant allele was found at a frequency of 0.0025 in 1614152 control chromosomes in the gnomAD database, including 9 homozygotes. The observed variant frequency exceeds the estimated maximal expected allele frequency for a pathogenic variant in AARS1 causing Developmental and epileptic encephalopathy, 29 phenotype. To our knowledge, no occurrence of c.2459A>G in individuals affected with Developmental and epileptic encephalopathy, 29 and no experimental evidence demonstrating its impact on protein function have been reported. ClinVar contains an entry for this variant (Variation ID: 220930). Based on the evidence outlined above, the variant was classified as likely benign.

Blueprint Genetics
Classification: Likely benign. Last evaluated: 2024-11-21. Review status: criteria provided, single submitter. Criteria: ACMG Guidelines, 2015. Collection method: clinical testing. Allele origin: germline.

ARUP Laboratories, Molecular Genetics and Genomics, ARUP Laboratories
Classification: Likely benign. Last evaluated: 2024-06-28. Review status: criteria provided, single submitter. Criteria: ARUP Molecular Germline Variant Investigation Process 2024. Collection method: clinical testing. Allele origin: germline.

Ambry Genetics
Classification: Likely benign for Inborn genetic diseases. Last evaluated: 2021-10-22. Review status: criteria provided, single submitter. Criteria: Ambry Variant Classification Scheme 2023. Collection method: clinical testing. Allele origin: germline.

Mayo Clinic Laboratories, Mayo Clinic
Classification: Benign. Last evaluated: 2019-01-07. Review status: criteria provided, single submitter. Criteria: ACMG Guidelines, 2015. Collection method: clinical testing. Allele origin: germline. Observed: 6 variant alleles.

Illumina Laboratory Services, Illumina
Classification: Likely benign for Charcot-Marie-Tooth disease axonal type 2N. Last evaluated: 2018-01-12. Review status: criteria provided, single submitter. Criteria: ICSL Variant Classification Criteria 13 December 2019. Collection method: clinical testing. Allele origin: germline.
Comment: This variant was observed in the ICSL laboratory as part of a predisposition screen in an ostensibly healthy population. It had not been previously curated by ICSL or reported in the Human Gene Mutation Database (HGMD: prior to June 1st, 2018), and was therefore a candidate for classification through an automated scoring system. Utilizing variant allele frequency, disease prevalence and penetrance estimates, and inheritance mode, an automated score was calculated to assess if this variant is too frequent to cause the disease. Based on the score and internal cut-off values, a variant classified as likely benign is not then subjected to further curation. The score for this variant resulted in a classification of likely benign for this disease.

GeneDx
Classification: Likely benign. Last evaluated: 2017-10-13. Review status: criteria provided, single submitter. Criteria: GeneDx Variant Classification (06012015). Collection method: clinical testing. Allele origin: germline. Affected: yes.
Comment: This variant is considered likely benign or benign based on one or more of the following criteria: it is a conservative change, it occurs at a poorly conserved position in the protein, it is predicted to be benign by multiple in silico algorithms, and/or has population frequency not consistent with disease.

Center for Pediatric Genomic Medicine, Children's Mercy Hospital and Clinics
Classification: Likely benign. Last evaluated: 2016-12-07. Review status: criteria provided, single submitter. Criteria: ACMG Guidelines, 2015. Collection method: clinical testing. Allele origin: germline.
ClinVar note: Converted during submission from Likely Benign to Likely benign.

Breakthrough Genomics
Classification: Likely benign. Review status: criteria provided, single submitter. Criteria: ACMG Guidelines, 2015. Collection method: not provided. Allele origin: germline. Inheritance: Autosomal recessive inheritance. Affected: yes.

PreventionGenetics, part of Exact Sciences
Classification: Likely benign for AARS1-related condition. Last evaluated: 2022-12-22. Review status: no assertion criteria provided. Collection method: clinical testing. Allele origin: germline. Not counted in ClinVar's aggregate classification.
Comment: This variant is classified as likely benign based on ACMG/AMP sequence variant interpretation guidelines (Richards et al. 2015 PMID: 25741868, with internal and published modifications).

Clinical Genetics DNA and cytogenetics Diagnostics Lab, Erasmus MC, Erasmus Medical Center
Classification: Likely benign. Review status: no assertion criteria provided. Collection method: clinical testing. Allele origin: germline. Affected: yes. Study: VKGL Data-share Consensus. Not counted in ClinVar's aggregate classification.

Clinical Genetics, Academic Medical Center
Classification: Benign. Review status: no assertion criteria provided. Collection method: clinical testing. Allele origin: germline. Affected: yes. Study: VKGL Data-share Consensus. Not counted in ClinVar's aggregate classification.

Genome Diagnostics Laboratory, University Medical Center Utrecht
Classification: Likely benign. Review status: no assertion criteria provided. Collection method: clinical testing. Allele origin: germline. Affected: yes. Study: VKGL Data-share Consensus. Not counted in ClinVar's aggregate classification.

NM_001605.3(AARS1):c.2459A>G (p.Lys820Arg)

Gene: AARS1 (alanyl-tRNA synthetase 1; minus strand). Cytogenetic location: 16q22.1.
Variant type: single nucleotide variant.
Coding change: c.2459A>G on transcript NM_001605.3 (MANE Select); coding-DNA position 2459, A replaced by G.
Protein change: p.Lys820Arg; replaces lysine 820 with arginine.
Molecular consequence: missense variant.
Genome position (GRCh38, 1-based): chr16:70,253,980, T>C on the plus strand (A>G on the coding strand, the complement: AARS1 is on the minus strand). VCF-style: chr16-70253980-T-C. GRCh37 (hg19) VCF-style: chr16-70287883-T-C.
Other names: p.Lys820Arg; short protein forms K820R.
Identifiers: ClinVar variation 220930 (VCV000220930.60), dbSNP rs147319762, ClinGen allele CA348704.
Genomic context (GRCh38, chr16:70,253,980, plus strand): 5'-CGTTTCTGGACATCGGCTTTGCTGGCTCGGTCCAAGTCATCCATGACCTTCTTTAGGGAT[T>C]TGAGAGTCTCCCGCAATTCATCCTTCTGCCACTGGGGGATGACTGCAGTGGCCAGGGCCT-3'
Protein context (NP_001596.2, residues 810-830): WQKDELRETL[Lys820Arg]SLKKVMDDLD